The following is an entry in ClinVar:

ClinVar aggregate classification (germline): Uncertain significance. Review status: criteria provided, multiple submitters, no conflicts (2 of 4 stars). 4 submissions from 4 submitters: Uncertain significance (3). 1 of the submissions does not count toward it. Last evaluated 2025-12-03.

Conditions:
Glycogen storage disease IXb (GSD9B). Also called: PHOSPHORYLASE KINASE DEFICIENCY OF LIVER AND MUSCLE, AUTOSOMAL RECESSIVE; GLYCOGENOSIS OF LIVER AND MUSCLE, AUTOSOMAL RECESSIVE; GSD IXb. Identifiers: Orphanet 79240, MedGen C0543514, MONDO:0009868, OMIM 261750.
Inborn genetic diseases. Identifiers: MedGen C0950123, MeSH D030342.

Allele frequency attached by ClinVar (database versions not stated): gnomAD 0.00004 and 0.00005; TOPMed 0.00006; ExAC 0.00007; gnomAD exomes 0.00009 and 0.00012; ESP Exome Variant Server 0.00015.

Submissions (4):

Ambry Genetics
Classification: Uncertain significance for Inborn genetic diseases. Last evaluated: 2025-12-03. Review status: criteria provided, single submitter. Criteria: Ambry Variant Classification Scheme 2023. Collection method: clinical testing. Allele origin: germline.

Labcorp Genetics (formerly Invitae), Labcorp
Classification: Uncertain significance for Glycogen storage disease IXb. Last evaluated: 2022-01-25. Review status: criteria provided, single submitter. Criteria: Invitae Variant Classification Sherloc (09022015). Collection method: clinical testing. Allele origin: germline.
Comment: This sequence change replaces isoleucine, which is neutral and non-polar, with threonine, which is neutral and polar, at codon 500 of the PHKB protein (p.Ile500Thr). This variant is present in population databases (rs147021608, gnomAD 0.2%). This variant has not been reported in the literature in individuals affected with PHKB-related conditions. ClinVar contains an entry for this variant (Variation ID: 559010). Algorithms developed to predict the effect of missense changes on protein structure and function are either unavailable or do not agree on the potential impact of this missense change (SIFT: "Deleterious"; PolyPhen-2: "Benign"; Align-GVGD: "Class C25"). Algorithms developed to predict the effect of sequence changes on RNA splicing suggest that this variant may create or strengthen a splice site. In summary, the available evidence is currently insufficient to determine the role of this variant in disease. Therefore, it has been classified as a Variant of Uncertain Significance.

Illumina Laboratory Services, Illumina
Classification: Uncertain significance for Glycogen storage disease IXb. Last evaluated: 2018-01-13. Review status: criteria provided, single submitter. Criteria: ICSL Variant Classification Criteria 13 December 2019. Collection method: clinical testing. Allele origin: germline.

Mayo Clinic Laboratories, Mayo Clinic
Classification: Uncertain significance. Last evaluated: 2017-06-07. Review status: no assertion criteria provided. Collection method: clinical testing. Allele origin: unknown. Not counted in ClinVar's aggregate classification.

NM_000293.3(PHKB):c.1499T>C (p.Ile500Thr)

Gene: PHKB (phosphorylase kinase regulatory subunit beta; plus strand). Cytogenetic location: 16q12.1.
Variant type: single nucleotide variant.
Coding change: c.1499T>C on transcript NM_000293.3 (MANE Select); coding-DNA position 1499, T replaced by C.
Protein change: p.Ile500Thr; replaces isoleucine 500 with threonine.
Molecular consequence: missense variant.
Genome position (GRCh38, 1-based): chr16:47,641,075, T>C. VCF-style: chr16-47641075-T-C. GRCh37 (hg19) VCF-style: chr16-47674986-T-C.
Other names: c.1478T>C, p.Ile493Thr (NM_001031835.3); c.1499T>C, p.Ile500Thr (NM_001363837.1); short protein forms I500T, I493T.
Identifiers: ClinVar variation 559010 (VCV000559010.12), dbSNP rs147021608, ClinGen allele CA8040844.